The following is an entry in ClinVar:

NM_000273.3(GPR143):c.593T>G (p.Met198Arg)

Gene: GPR143 (G protein-coupled receptor 143; minus strand). Cytogenetic location: Xp22.2.
Variant type: single nucleotide variant.
Coding change: c.593T>G on transcript NM_000273.3 (MANE Select); coding-DNA position 593, T replaced by G.
Protein change: p.Met198Arg; replaces methionine 198 with arginine.
Molecular consequence: missense variant.
Genome position (GRCh38, 1-based): chrX:9,746,109, A>C on the plus strand (T>G on the coding strand, the complement: GPR143 is on the minus strand). VCF-style: chrX-9746109-A-C. GRCh37 (hg19) VCF-style: chrX-9714149-A-C.
Other names: short protein forms M198R.
Identifiers: ClinVar variation 3347380 (VCV003347380.1).

ClinVar aggregate classification (germline): Uncertain significance (0 of 4 stars; one submission).

Conditions:
GPR143-related disorder. Also called: GPR143-related condition.

Submission:

PreventionGenetics, part of Exact Sciences
Classification: Uncertain significance for GPR143-related condition. Last evaluated: 2024-04-23. Review status: no assertion criteria provided. Collection method: clinical testing. Allele origin: germline.
Comment: The GPR143 c.593T>G variant is predicted to result in the amino acid substitution p.Met198Arg. To our knowledge, this variant has not been reported in the literature. An alternate substitution of this amino acid (p.Met198Lys) has been reported in an individual with albinism (Table S8, Lasseaux et al. 2018. PubMed ID: 29345414). This variant is reported in 0.0072% of alleles in individuals of East Asian descent in gnomAD, including one hemizygote. At this time, the clinical significance of this variant is uncertain due to the absence of conclusive functional and genetic evidence.